The following is an entry in ClinVar:

ClinVar aggregate classification (germline): Likely benign. Review status: criteria provided, multiple submitters, no conflicts (2 of 4 stars). 4 submissions from 4 submitters: Likely benign (3). 1 of the submissions does not count toward it. Last evaluated 2026-03-01.

Conditions:
Fanconi anemia (FA). Also called: Fanconi's anemia. Identifiers: Orphanet 84, MedGen C0015625, MeSH D005199, MONDO:0019391.
Inborn genetic diseases. Identifiers: MedGen C0950123, MeSH D030342.
Fanconi anemia complementation group G. Also called: FANCG-Related Fanconi Anemia; Fanconi anemia group G. Identifiers: Orphanet 84, MedGen C3469527, MONDO:0013565, OMIM 614082.

Allele frequency attached by ClinVar (database versions not stated): ExAC 0.00001; gnomAD exomes 0.00001 and 0.00004; TOPMed 0.00003; gnomAD 0.00005 and 0.00006.

Submissions (4):

CeGaT Center for Human Genetics Tuebingen
Classification: Likely benign. Last evaluated: 2026-03-01. Review status: criteria provided, single submitter. Criteria: CeGaT Center For Human Genetics Tuebingen Variant Classification Criteria Version 2. Collection method: clinical testing. Allele origin: germline. Affected: yes. Observed: 1 variant allele.
Comment: FANCG: BP4, BP7

Labcorp Genetics (formerly Invitae), Labcorp
Classification: Likely benign for Fanconi anemia. Last evaluated: 2025-03-10. Review status: criteria provided, single submitter. Criteria: Invitae Variant Classification Sherloc (09022015). Collection method: clinical testing. Allele origin: germline.

Ambry Genetics
Classification: Likely benign for Inborn genetic diseases. Last evaluated: 2024-11-28. Review status: criteria provided, single submitter. Criteria: Ambry Variant Classification Scheme 2023. Collection method: clinical testing. Allele origin: germline.

Natera, Inc.
Classification: Likely benign for Fanconi anemia group G. Last evaluated: 2020-06-12. Review status: no assertion criteria provided. Collection method: clinical testing. Allele origin: germline. Not counted in ClinVar's aggregate classification.

NM_004629.2(FANCG):c.1048C>T (p.Leu350=)

Gene: FANCG (FA complementation group G; minus strand). Cytogenetic location: 9p13.3.
Variant type: single nucleotide variant.
Coding change: c.1048C>T on transcript NM_004629.2 (MANE Select); coding-DNA position 1048, C replaced by T.
Protein change: p.Leu350=; no amino-acid change (leucine 350 retained).
Molecular consequence: synonymous variant.
Genome position (GRCh38, 1-based): chr9:35,076,460, G>A on the plus strand (C>T on the coding strand, the complement: FANCG is on the minus strand). VCF-style: chr9-35076460-G-A. GRCh37 (hg19) VCF-style: chr9-35076457-G-A.
Identifiers: ClinVar variation 698866 (VCV000698866.16), dbSNP rs772109570, ClinGen allele CA5039868.